The following is an entry in ClinVar:

NM_003200.5(TCF3):c.226A>T (p.Ser76Cys)

Gene: TCF3 (transcription factor 3; minus strand). Cytogenetic location: 19p13.3.
Variant type: single nucleotide variant.
Coding change: c.226A>T on transcript NM_003200.5 (MANE Select); coding-DNA position 226, A replaced by T.
Protein change: p.Ser76Cys; replaces serine 76 with cysteine.
Molecular consequence: missense variant.
Genome position (GRCh38, 1-based): chr19:1,632,110, T>A on the plus strand (A>T on the coding strand, the complement: TCF3 is on the minus strand). VCF-style: chr19-1632110-T-A. GRCh37 (hg19) VCF-style: chr19-1632109-T-A.
Other names: c.226A>T, p.Ser76Cys (NM_001136139.4, NM_001351778.2, NM_001351779.2); short protein forms S76C.
Identifiers: ClinVar variation 1501618 (VCV001501618.6), dbSNP rs368540785, ClinGen allele CA304102555.

ClinVar aggregate classification (germline): Uncertain significance (1 of 4 stars; one submission).

Allele frequency attached by ClinVar (database versions not stated): TOPMed below 0.00001; gnomAD exomes 0.00001; ESP Exome Variant Server 0.00008.
gnomAD v4.1: 16 of 1,612,974 alleles (0.00099%); highest among the groups gnomAD compares: Non-Finnish European, 0.0014%; no homozygotes.

Submission:

Labcorp Genetics (formerly Invitae), Labcorp
Classification: Uncertain significance. Last evaluated: 2024-02-24. Review status: criteria provided, single submitter. Criteria: Invitae Variant Classification Sherloc (09022015). Collection method: clinical testing. Allele origin: germline.
Comment: This sequence change replaces serine, which is neutral and polar, with cysteine, which is neutral and slightly polar, at codon 76 of the TCF3 protein (p.Ser76Cys). This variant is present in population databases (rs368540785, gnomAD 0.0009%). This variant has not been reported in the literature in individuals affected with TCF3-related conditions. ClinVar contains an entry for this variant (Variation ID: 1501618). Advanced modeling of protein sequence and biophysical properties (such as structural, functional, and spatial information, amino acid conservation, physicochemical variation, residue mobility, and thermodynamic stability) performed at Invitae indicates that this missense variant is not expected to disrupt TCF3 protein function with a negative predictive value of 80%. In summary, the available evidence is currently insufficient to determine the role of this variant in disease. Therefore, it has been classified as a Variant of Uncertain Significance.